The following is an entry in ClinVar:

ClinVar aggregate classification (germline): Uncertain significance (1 of 4 stars; one submission).

Conditions:
Developmental and epileptic encephalopathy. Identifiers: MedGen C5779964, MONDO:0100620.

Submission:

Labcorp Genetics (formerly Invitae), Labcorp
Classification: Uncertain significance for Early-infantile DEE. Last evaluated: 2020-01-27. Review status: criteria provided, single submitter. Criteria: Invitae Variant Classification Sherloc (09022015). Collection method: clinical testing. Allele origin: germline.
Comment: This variant results in a copy number gain of the genomic region encompassing exons 1-5 of the KCNQ2 gene, which includes the initiator codon. The 5' end of this event is unknown as it extends beyond the assayed region for this gene and therefore may encompass additional genes. The 3' boundary is likely confined to intron 5 of the KCNQ2 gene. As the precise location of this event is unknown, it may be in tandem or it may be located elsewhere in the genome. This variant has not been reported in the literature in individuals with KCNQ2-related conditions. In summary, the available evidence is currently insufficient to determine the role of this variant in disease. Therefore, it has been classified as a Variant of Uncertain Significance.

NC_000020.10:g.(?_62073739)_(62129136_?)dup

Genes: EEF1A2 (eukaryotic translation elongation factor 1 alpha 2; minus strand), KCNQ2 (potassium voltage-gated channel subfamily Q member 2; minus strand). Cytogenetic location: 20q13.33.
Variant type: Duplication.
Identifiers: ClinVar variation 1042915 (VCV001042915.5).